The following is an entry in ClinVar:

ClinVar aggregate classification (germline): Likely benign (1 of 4 stars; one submission).

gnomAD v4.1: 45 of 1,614,074 alleles (0.0028%); highest among the groups gnomAD compares: Admixed American, 0.0067%; no homozygotes.

Submission:

CeGaT Center for Human Genetics Tuebingen
Classification: Likely benign. Last evaluated: 2025-09-01. Review status: criteria provided, single submitter. Criteria: CeGaT Center For Human Genetics Tuebingen Variant Classification Criteria Version 2. Collection method: clinical testing. Allele origin: germline. Affected: yes. Observed: 1 variant allele.
Comment: KCNB2: BP4, BP7

NM_004770.3(KCNB2):c.1767A>G (p.Ala589=)

Gene: KCNB2 (potassium voltage-gated channel subfamily B member 2; plus strand). Cytogenetic location: 8q21.11.
Variant type: single nucleotide variant.
Coding change: c.1767A>G on transcript NM_004770.3 (MANE Select); coding-DNA position 1767, A replaced by G.
Protein change: p.Ala589=; no amino-acid change (alanine 589 retained).
Molecular consequence: synonymous variant.
Genome position (GRCh38, 1-based): chr8:72,937,122, A>G. VCF-style: chr8-72937122-A-G. GRCh37 (hg19) VCF-style: chr8-73849357-A-G.
Identifiers: ClinVar variation 4281198 (VCV004281198.7).